The following is an entry in ClinVar:

NM_016507.4(CDK12):c.1757C>G (p.Pro586Arg)

Gene: CDK12 (cyclin dependent kinase 12; plus strand). Cytogenetic location: 17q12.
Variant type: single nucleotide variant.
Coding change: c.1757C>G on transcript NM_016507.4 (MANE Select); coding-DNA position 1757, C replaced by G.
Protein change: p.Pro586Arg; replaces proline 586 with arginine.
Molecular consequence: missense variant.
Genome position (GRCh38, 1-based): chr17:39,471,589, C>G. VCF-style: chr17-39471589-C-G. GRCh37 (hg19) VCF-style: chr17-37627842-C-G.
Other names: c.1757C>G, p.Pro586Arg (NM_015083.4); short protein forms P586R.
Identifiers: ClinVar variation 4651483 (VCV004651483.1).
Genomic context (GRCh38, chr17:39,471,589, plus strand): 5'-TGCCTCCTTCTCAGCCAGCATTTAGTCAGGTTCCTGCTTCCAGTACTTCAACTTTGCCCC[C>G]TTCTACTCACTCAAAGACATCTGCTGTGTCCTCTCAGGCAAATTCTCAGCCCCCTGTACA-3'
Protein context (NP_057591.2, residues 576-596): VPASSTSTLP[Pro586Arg]STHSKTSAVS

ClinVar aggregate classification (germline): Uncertain significance (1 of 4 stars; one submission).

gnomAD v4.1: 1 of 1,614,114 alleles (0.000062%); highest among the groups gnomAD compares: South Asian, 0.0011%; no homozygotes.

Submission:

Ambry Genetics
Classification: Uncertain significance. Last evaluated: 2025-12-07. Review status: criteria provided, single submitter. Criteria: Ambry Variant Classification Scheme 2023. Collection method: clinical testing. Allele origin: germline.
Comment: The p.P586R variant (also known as c.1757C>G), located in coding exon 2 of the CDK12 gene, results from a C to G substitution at nucleotide position 1757. The proline at codon 586 is replaced by arginine, an amino acid with dissimilar properties. This amino acid position is conserved. In addition, this alteration is predicted to be tolerated by in silico analysis. Based on the available evidence, the clinical significance of this variant remains unclear.